The following is an entry in ClinVar:

NM_001360016.2(G6PD):c.611G>A (p.Gly204Asp)

Gene: G6PD (glucose-6-phosphate dehydrogenase; minus strand). Cytogenetic location: Xq28.
Variant type: single nucleotide variant.
Coding change: c.611G>A on transcript NM_001360016.2 (MANE Select); coding-DNA position 611, G replaced by A.
Protein change: p.Gly204Asp; replaces glycine 204 with aspartic acid.
Molecular consequence: missense variant.
Genome position (GRCh38, 1-based): chrX:154,534,371, C>T on the plus strand (G>A on the coding strand, the complement: G6PD is on the minus strand). VCF-style: chrX-154534371-C-T. GRCh37 (hg19) VCF-style: chrX-153762586-C-T.
Other names: c.701G>A, p.Gly234Asp (NM_000402.4); c.611G>A, p.Gly204Asp (NM_001042351.3); short protein forms G204D, G234D.
Identifiers: ClinVar variation 1163785 (VCV001163785.7), dbSNP rs2148330566, ClinGen allele CA415237781.

ClinVar aggregate classification (germline): Likely pathogenic. Review status: criteria provided, multiple submitters, no conflicts (2 of 4 stars). 2 submissions from 2 submitters: Likely pathogenic (2). Last evaluated 2022-08-12.

Conditions:
Anemia, nonspherocytic hemolytic, due to G6PD deficiency (CNSHA1). Also called: Class I glucose-6-phosphate dehydrogenase deficiency; Favism, susceptibility to; ANEMIA, CONGENITAL, NONSPHEROCYTIC HEMOLYTIC, 1; Hemolytic anemia due to G6PD deficiency. Identifiers: Orphanet 466026, MedGen C2720289, MONDO:0010480, OMIM 300908.

Submissions (2):

Dunham Lab, University of Washington
Classification: Likely pathogenic for Anemia, nonspherocytic hemolytic, due to G6PD deficiency. Last evaluated: 2022-08-12. Review status: criteria provided, single submitter. Criteria: Bayesian ACMG Guidelines, 2018. Collection method: curation. Allele origin: unknown.
Comment: Variant alters substrate binding site (PM1) and leads to decreased activity when expressed in S. cerevisiae (PS3_M). Below expected carrier frequency in gnomAD (PM2). Post_P 0.900 (odds of pathogenicity 81.2, Prior_P 0.1).

Mayo Clinic Laboratories, Mayo Clinic
Classification: Likely pathogenic. Last evaluated: 2019-04-25. Review status: criteria provided, single submitter. Criteria: ACMG Guidelines, 2015. Collection method: clinical testing. Allele origin: germline. Observed: 1 variant allele.
Comment: PS3, PM1, PM2, PP4

Literature cited by the submitters: PubMed 16193512 (cited by Dunham Lab, University of Washington and Mayo Clinic Laboratories, Mayo Clinic); PubMed 31294066 (cited by Dunham Lab, University of Washington).